The following is an entry in ClinVar:

ClinVar aggregate classification (germline): Uncertain significance. Review status: criteria provided, multiple submitters, no conflicts (2 of 4 stars). 2 submissions from 2 submitters: Uncertain significance (2). Last evaluated 2022-08-17.

Conditions:
DICER1-related tumor predisposition. Also called: DICER1 syndrome; DICER1-related pleuropulmonary blastoma cancer predisposition syndrome. Identifiers: Orphanet 284343, MedGen C3839822, MONDO:0100216.
Hereditary cancer-predisposing syndrome. Also called: Hereditary neoplastic syndrome; Neoplastic Syndromes, Hereditary; Tumor predisposition; Hereditary Cancer Syndrome. Identifiers: Orphanet 140162, MedGen C0027672, MeSH D009386, MONDO:0015356.

Submissions (2):

Ambry Genetics
Classification: Uncertain significance for Hereditary cancer-predisposing syndrome. Last evaluated: 2022-08-17. Review status: criteria provided, single submitter. Criteria: Ambry Variant Classification Scheme 2023. Collection method: clinical testing. Allele origin: germline.
Comment: The p.R1274S variant (also known as c.3822G>T), located in coding exon 20 of the DICER1 gene, results from a G to T substitution at nucleotide position 3822. The arginine at codon 1274 is replaced by serine, an amino acid with dissimilar properties. This amino acid position is conserved. In addition, this alteration is predicted to be tolerated by in silico analysis. Since supporting evidence is limited at this time, the clinical significance of this alteration remains unclear.

Labcorp Genetics (formerly Invitae), Labcorp
Classification: Uncertain significance for DICER1-related tumor predisposition. Last evaluated: 2020-10-26. Review status: criteria provided, single submitter. Criteria: Invitae Variant Classification Sherloc (09022015). Collection method: clinical testing. Allele origin: germline.
Comment: In summary, the available evidence is currently insufficient to determine the role of this variant in disease. Therefore, it has been classified as a Variant of Uncertain Significance. Algorithms developed to predict the effect of sequence changes on RNA splicing suggest that this variant may create or strengthen a splice site, but this prediction has not been confirmed by published transcriptional studies. Algorithms developed to predict the effect of missense changes on protein structure and function output the following: SIFT: "Tolerated"; PolyPhen-2: "Benign"; Align-GVGD: "Class C0". The serine amino acid residue is found in multiple mammalian species, suggesting that this missense change does not adversely affect protein function. These predictions have not been confirmed by published functional studies and their clinical significance is uncertain. This variant has not been reported in the literature in individuals with DICER1-related conditions. This variant is not present in population databases (ExAC no frequency). This sequence change replaces arginine with serine at codon 1274 of the DICER1 protein (p.Arg1274Ser). The arginine residue is weakly conserved and there is a moderate physicochemical difference between arginine and serine.

NM_177438.3(DICER1):c.3822G>T (p.Arg1274Ser)

Gene: DICER1 (dicer 1, ribonuclease III; minus strand). Cytogenetic location: 14q32.13.
Variant type: single nucleotide variant.
Coding change: c.3822G>T on transcript NM_177438.3 (MANE Select); coding-DNA position 3822, G replaced by T.
Protein change: p.Arg1274Ser; replaces arginine 1274 with serine.
Molecular consequence: missense variant.
Genome position (GRCh38, 1-based): chr14:95,103,574, C>A on the plus strand (G>T on the coding strand, the complement: DICER1 is on the minus strand). VCF-style: chr14-95103574-C-A. GRCh37 (hg19) VCF-style: chr14-95569911-C-A.
Other names: c.3822G>T, p.Arg1274Ser (NM_001195573.1, NM_001271282.3, NM_001291628.2 and 1 more transcripts); short protein forms R1274S.
Identifiers: ClinVar variation 1006261 (VCV001006261.12), dbSNP rs1891096853, ClinGen allele CA390873374.